The following is an entry in ClinVar:

NM_001378454.1(ALMS1):c.9306G>A (p.Leu3102=)

Gene: ALMS1 (ALMS1 centrosome and basal body associated protein; plus strand). Cytogenetic location: 2p13.1.
Variant type: single nucleotide variant.
Coding change: c.9306G>A on transcript NM_001378454.1 (MANE Select); coding-DNA position 9306, G replaced by A.
Protein change: p.Leu3102=; no amino-acid change (leucine 3102 retained).
Molecular consequence: synonymous variant.
Genome position (GRCh38, 1-based): chr2:73,491,265, G>A. VCF-style: chr2-73491265-G-A. GRCh37 (hg19) VCF-style: chr2-73718392-G-A.
Other names: c.9309G>A, p.Leu3103= (NM_015120.4).
Identifiers: ClinVar variation 1613278 (VCV001613278.9), dbSNP rs747617053, ClinGen allele CA1714632.

ClinVar aggregate classification (germline): Conflicting classifications of pathogenicity. Review status: criteria provided, conflicting classifications (1 of 4 stars). 2 submissions from 2 submitters: Uncertain significance (1); Likely benign (1). Last evaluated 2026-04-01.

Conditions:
Alstrom syndrome (ALMS). Identifiers: Orphanet 64, MedGen C0268425, MONDO:0008763, OMIM 203800.

Allele frequency attached by ClinVar (database versions not stated): gnomAD exomes below 0.00001; ExAC 0.00001.
gnomAD v4.1: 2 of 1,614,026 alleles (0.00012%); highest among the groups gnomAD compares: East Asian, 0.0022%; no homozygotes.

Submissions (2):

GeneDx
Classification: Uncertain significance. Last evaluated: 2026-04-01. Review status: criteria provided, single submitter. Criteria: GeneDx Variant Classification Process June 2021. Collection method: clinical testing. Allele origin: germline.
Comment: Not observed at significant frequency in large population cohorts (gnomAD); In silico analysis suggests that this variant does not alter splicing; Has not been previously published as pathogenic or benign to our knowledge

Labcorp Genetics (formerly Invitae), Labcorp
Classification: Likely benign for Alstrom syndrome. Last evaluated: 2022-03-15. Review status: criteria provided, single submitter. Criteria: Invitae Variant Classification Sherloc (09022015). Collection method: clinical testing. Allele origin: germline.